The following is an entry in ClinVar:

NM_015570.4(AUTS2):c.1205A>G (p.Asn402Ser)

Gene: AUTS2 (activator of transcription and developmental regulator AUTS2; plus strand). Cytogenetic location: 7q11.22.
Variant type: single nucleotide variant.
Coding change: c.1205A>G on transcript NM_015570.4 (MANE Select); coding-DNA position 1205, A replaced by G.
Protein change: p.Asn402Ser; replaces asparagine 402 with serine.
Molecular consequence: missense variant.
Genome position (GRCh38, 1-based): chr7:70,763,332, A>G. VCF-style: chr7-70763332-A-G. GRCh37 (hg19) VCF-style: chr7-70228318-A-G.
Other names: c.1205A>G, p.Asn402Ser (NM_001127231.3); short protein forms N402S.
Identifiers: ClinVar variation 2446106 (VCV002446106.1), dbSNP rs1196456301, ClinGen allele CA367668059.

ClinVar aggregate classification (germline): Uncertain significance (1 of 4 stars; one submission).

Allele frequency attached by ClinVar (database versions not stated): gnomAD 0.00001; gnomAD exomes 0.00001.
gnomAD v4.1: 9 of 1,570,826 alleles (0.00057%); highest among the groups gnomAD compares: Non-Finnish European, 0.00078%; no homozygotes.

Submission:

GeneDx
Classification: Uncertain significance. Last evaluated: 2022-09-22. Review status: criteria provided, single submitter. Criteria: GeneDx Variant Classification Process June 2021. Collection method: clinical testing. Allele origin: germline. Affected: yes.
Comment: Not observed at significant frequency in large population cohorts (gnomAD); In silico analysis supports that this missense variant does not alter protein structure/function; Has not been previously published as pathogenic or benign to our knowledge